The following is an entry in ClinVar:

ClinVar aggregate classification (germline): Likely benign (0 of 4 stars; one submission).

Conditions:
PRR12-related disorder. Also called: PRR12-related condition.

gnomAD v4.1: 13 of 1,562,996 alleles (0.00083%); highest among the groups gnomAD compares: Middle Eastern, 0.017%; no homozygotes.

Submission:

PreventionGenetics, part of Exact Sciences
Classification: Likely benign for PRR12-related condition. Last evaluated: 2019-02-19. Review status: no assertion criteria provided. Collection method: clinical testing. Allele origin: germline.
Comment: This variant is classified as likely benign based on ACMG/AMP sequence variant interpretation guidelines (Richards et al. 2015 PMID: 25741868, with internal and published modifications).

NM_020719.3(PRR12):c.3189C>T (p.Ile1063=)

Gene: PRR12 (proline rich 12; plus strand). Cytogenetic location: 19q13.33.
Variant type: single nucleotide variant.
Coding change: c.3189C>T on transcript NM_020719.3 (MANE Select); coding-DNA position 3189, C replaced by T.
Protein change: p.Ile1063=; no amino-acid change (isoleucine 1063 retained).
Molecular consequence: synonymous variant.
Genome position (GRCh38, 1-based): chr19:49,597,524, C>T. VCF-style: chr19-49597524-C-T. GRCh37 (hg19) VCF-style: chr19-50100781-C-T.
Identifiers: ClinVar variation 3353073 (VCV003353073.1).